The following is an entry in ClinVar:

ClinVar aggregate classification (germline): Uncertain significance (1 of 4 stars; one submission).

Conditions:
Autosomal dominant limb-girdle muscular dystrophy type 1D (DNAJB6) (LGMDD1). Also called: MUSCULAR DYSTROPHY, LIMB-GIRDLE, TYPE 1D; MUSCULAR DYSTROPHY, AUTOSOMAL DOMINANT, WITH RIMMED VACUOLES; Autosomal dominant limb-girdle muscular dystrophy type 1D; Muscular dystrophy, limb-girdle, autosomal dominant 1. Identifiers: Orphanet 34516, MedGen C4721885, MONDO:0021018, OMIM 603511.

Submission:

Labcorp Genetics (formerly Invitae), Labcorp
Classification: Uncertain significance for Autosomal dominant limb-girdle muscular dystrophy type 1D (DNAJB6). Last evaluated: 2022-10-31. Review status: criteria provided, single submitter. Criteria: Invitae Variant Classification Sherloc (09022015). Collection method: clinical testing. Allele origin: germline.
Comment: In summary, the available evidence is currently insufficient to determine the role of this variant in disease. Therefore, it has been classified as a Variant of Uncertain Significance. This variant has not been reported in the literature in individuals affected with DNAJB6-related conditions. This variant results in a copy number gain of the genomic region encompassing exon(s) 9-10 of the DNAJB6 gene. This region includes the termination codon of the gene. This copy number gain extends beyond the assayed region for this gene and therefore may encompass additional genes. As the precise location of this event is unknown, it may be in tandem or it may be located elsewhere in the genome.

NC_000007.13:g.(?_157202469)_(157208792_?)dup

Gene: DNAJB6 (DnaJ heat shock protein family (Hsp40) member B6; plus strand). Cytogenetic location: 7q36.3.
Variant type: Duplication.
Identifiers: ClinVar variation 2427177 (VCV002427177.6).